The following is an entry in ClinVar:

ClinVar aggregate classification (germline): Uncertain significance (0 of 4 stars; one submission).

Conditions:
PLXNA1-related disorder. Also called: PLXNA1-related condition.

Allele frequency attached by ClinVar (database versions not stated): gnomAD 0.00003; TOPMed 0.00003; ExAC 0.00005; gnomAD exomes 0.00005; ESP Exome Variant Server 0.00008.
gnomAD v4.1: 82 of 1,612,370 alleles (0.0051%); highest among the groups gnomAD compares: Non-Finnish European, 0.0063%; no homozygotes.

Submission:

PreventionGenetics, part of Exact Sciences
Classification: Uncertain significance for PLXNA1-related condition. Last evaluated: 2024-07-01. Review status: no assertion criteria provided. Collection method: clinical testing. Allele origin: germline.
Comment: The PLXNA1 c.2068G>A variant is predicted to result in the amino acid substitution p.Val690Met. To our knowledge, this variant has not been reported in the literature. This variant is reported in 0.0093% of alleles in individuals of European (Non-Finnish) descent in gnomAD. At this time, the clinical significance of this variant is uncertain due to the absence of conclusive functional and genetic evidence.

NM_032242.4(PLXNA1):c.2068G>A (p.Val690Met)

Gene: PLXNA1 (plexin A1; plus strand). Cytogenetic location: 3q21.3.
Variant type: single nucleotide variant.
Coding change: c.2068G>A on transcript NM_032242.4 (MANE Select); coding-DNA position 2068, G replaced by A.
Protein change: p.Val690Met; replaces valine 690 with methionine.
Molecular consequence: missense variant.
Genome position (GRCh38, 1-based): chr3:127,007,869, G>A. VCF-style: chr3-127007869-G-A. GRCh37 (hg19) VCF-style: chr3-126726712-G-A.
Other names: short protein forms V690M.
Identifiers: ClinVar variation 2628925 (VCV002628925.2), dbSNP rs138563178, ClinGen allele CA2593489.